The following is an entry in ClinVar:

NM_000152.5(GAA):c.510C>T (p.Asp170=)

Gene: GAA (alpha glucosidase; plus strand). Cytogenetic location: 17q25.3.
Variant type: single nucleotide variant.
Coding change: c.510C>T on transcript NM_000152.5 (MANE Select); coding-DNA position 510, C replaced by T.
Protein change: p.Asp170=; no amino-acid change (aspartic acid 170 retained).
Molecular consequence: synonymous variant.
Genome position (GRCh38, 1-based): chr17:80,105,096, C>T. VCF-style: chr17-80105096-C-T. GRCh37 (hg19) VCF-style: chr17-78078895-C-T.
Other names: NM_000152.5(GAA):c.510C>T; c.510C>T (LRG_673t1, NM_000152.4); c.510C>T, p.Asp170= (NM_001079803.3, NM_001079804.3).
Identifiers: ClinVar variation 280956 (VCV000280956.53), dbSNP rs564758226, ClinGen allele CA8814885.

ClinVar aggregate classification (germline): Uncertain significance. Review status: reviewed by expert panel (3 of 4 stars). 13 submissions from 13 submitters: Uncertain significance (1). 12 of the submissions do not count toward it. Last evaluated 2024-03-19.

Conditions:
Cardiovascular phenotype. Identifiers: MedGen CN230736.
Glycogen storage disease, type II (IOPD). Also called: CARDIOMEGALIA GLYCOGENICA DIFFUSA; GLYCOGENOSIS, GENERALIZED, CARDIAC FORM; GSD II; Pompe Disease; POMPE DISEASE, INFANTILE-ONSET; GLYCOGEN STORAGE DISEASE II, INFANTILE-ONSET. Identifiers: Orphanet 365, MedGen C0017921, MONDO:0009290, OMIM 232300.

Allele frequency attached by ClinVar (database versions not stated): ExAC 0.00005; gnomAD 0.00005 and 0.00006; gnomAD exomes 0.00005; TOPMed 0.00006; 1000 Genomes Project 30x 0.00031; 1000 Genomes Project 0.00040.
gnomAD v4.1: 77 of 1,611,606 alleles (0.0048%); highest among the groups gnomAD compares: Admixed American, 0.0083%; no homozygotes.

Submissions (13):

ClinGen Lysosomal Storage Disorder Variant Curation Expert Panel
Classification: Uncertain significance for Glycogen storage disease, type II. Last evaluated: 2024-03-19. Review status: reviewed by expert panel. Criteria: clingen_lsd_acmg_specifications_v2-1. Collection method: curation. Allele origin: germline. Inheritance: Autosomal recessive inheritance.
Comment: The NM_000152.5:c.510C>T variant in GAA is a synonymous (silent) variant (p.Asp170=) that is not predicted to impact splicing (BP7, BP4). This variant has been detected in at least 14 individuals with Pompe disease (PMIDs 14695532, 30564623, 30922962, 34405923). However, in all but one individual it was found to co-occur with two additional GAA variants. Additionally, studies have shown that c.510C>T frequently occurs in cis with the c.-32-13T>G variant (pathogenic by the ClinGen Lysosomal Disease VCEP) and is associated with an earlier age of onset and lower GAA enzyme activity in fibroblasts compared to individuals with c.-32-13T>G that do not carry c.510C>T (PMIDs 30922962, 34405923). RT-PCR from patients with c.510C>T and c.-32-13T>G and minigene assays demonstrate that c.510C>T modulates the aberrant splicing caused by c.-32-13T>G, but does not have a significant impact on splicing when it occurs in isolation (PMID 30922962). The highest population minor allele frequency in gnomAD v2.1.1. is 0.00008925 (11/123248 alleles) in the European (non-Finnish) population, which is lower than the ClinGen Lysosomal Diseases VCEP’s threshold for PM2_Supporting (<0.001), meeting this criterion (PM2_Supporting). There is a ClinVar entry for this variant (Variation ID: 280956). While it is uncertain if c.510C>T is causative of disease, there is evidence suggesting that this variant acts as a negative modifying factor when it occurs in cis with c.-32-13T>G. Therefore, this variant is classified as a variant of unknown significance for Pompe disease based on the ACMG/AMP criteria applied, as specified by the ClinGen Lysosomal Diseases Variant Curation Expert Panel (Specifications Version 2.0): BP4, BP7, PM2_Supporting. (Classification approved by the ClinGen Lysosomal Diseases Variant Curation Expert Panel on March 19, 2024).

Genomenon, Inc
Classification: Uncertain significance for Glycogen storage disease, type II. Last evaluated: 2026-07-01. Review status: criteria provided, single submitter. Criteria: Genomenon Sequence Variant Interpretation Standards - Updated. Collection method: curation. Allele origin: germline. Not counted in ClinVar's aggregate classification.
Comment: GAA c.510C>T is a synonymous variant that retains Aspartic acid at codon 170. This variant has been reported in the compound heterozygous and/or homozygous state in an individual without a confirmed diagnosis of Pompe disease (PMID:37087815;34852371;34405923). Splicing studies have been reported (PMID:30922962). It is absent or not present at a significant frequency in gnomAD. In conclusion, we classify GAA c.510C>T (p.Asp170=) as a variant of uncertain significance.

Labcorp Genetics (formerly Invitae), Labcorp
Classification: Likely benign for Glycogen storage disease, type II. Last evaluated: 2026-01-31. Review status: criteria provided, single submitter. Criteria: Invitae Variant Classification Sherloc (09022015). Collection method: clinical testing. Allele origin: germline. Not counted in ClinVar's aggregate classification.

CeGaT Center for Human Genetics Tuebingen
Classification: Uncertain significance. Last evaluated: 2025-11-01. Review status: criteria provided, single submitter. Criteria: CeGaT Center For Human Genetics Tuebingen Variant Classification Criteria Version 2. Collection method: clinical testing. Allele origin: germline. Affected: yes. Observed: 2 variant alleles. Not counted in ClinVar's aggregate classification.
Comment: GAA: PM2:Supporting, PS3:Supporting, BP4, BP7

Women's Health and Genetics/Laboratory Corporation of America, LabCorp
Classification: Uncertain significance. Last evaluated: 2025-05-07. Review status: criteria provided, single submitter. Criteria: LabCorp Variant Classification Summary - May 2015. Collection method: clinical testing. Allele origin: germline. Not counted in ClinVar's aggregate classification.
Comment: Variant summary: GAA c.510C>T alters a conserved nucleotide resulting in a synonymous change. Consensus agreement among computation tools predict no significant impact on normal splicing. However, these predictions have yet to be confirmed by functional studies. The variant allele was found at a frequency of 5.4e-05 in 242402 control chromosomes. This frequency is not significantly higher than estimated for a pathogenic variant in GAA causing Glycogen Storage Disease, Type 2 (Pompe Disease) (5.4e-05 vs 0.0042), allowing no conclusion about variant significance. c.510C>T several individuals affected with Juvenile onset Glycogen Storage Disease, Type 2 (Pompe Disease) (Holzwarth_2022, King_2023, Nallamilli_2018), however observed in cis with c.-32-13T>G in almost all cases. Additionally, it lowers ages of onset and lowers GAA enzyme activity in fibroblasts compared to individuals with c.-32-13T>G that do not carry c.510C>T (Bergsma_2019, Nino_2021). At least one experimental study has shown that this variant further reduces the level of normal GAA mRNA in fibroblasts from patients caused by c.-32-13T>G (Bergsma_2019). However, a biochemical study in fibroblasts from an individual compound heterozygous for c.-32-13T>G and c.510C>T shows normal enzyme activity (King_2023), suggesting that this variant alone does not affect GAA activity. The following publications have been ascertained in the context of this evaluation (PMID: 30922962, 14695532, 34852371, 37087815, 30564623, 34405923). ClinVar contains an entry for this variant (Variation ID: 280956). In conclusion, while it is uncertain if this variant is causative of Pompe disease, there is evidence suggesting that this variant acts as a negative modifying factor when it occurs in cis with c.-32-13T>G. Based on the evidence outlined above, the variant was classified as uncertain significance.

GeneDx
Classification: Likely benign. Last evaluated: 2025-01-22. Review status: criteria provided, single submitter. Criteria: GeneDx Variant Classification Process June 2021. Collection method: clinical testing. Allele origin: germline. Affected: yes. Not counted in ClinVar's aggregate classification.
Comment: See Variant Classification Assertion Criteria.

Blueprint Genetics
Classification: Likely benign. Last evaluated: 2024-10-24. Review status: criteria provided, single submitter. Criteria: ACMG Guidelines, 2015. Collection method: clinical testing. Allele origin: germline. Not counted in ClinVar's aggregate classification.

Revvity Omics, Revvity
Classification: Uncertain significance. Last evaluated: 2024-10-10. Review status: criteria provided, single submitter. Criteria: ACMG Guidelines, 2015. Collection method: clinical testing. Allele origin: germline. Not counted in ClinVar's aggregate classification.

Ambry Genetics
Classification: Likely benign for Cardiovascular phenotype. Last evaluated: 2024-09-24. Review status: criteria provided, single submitter. Criteria: Ambry Variant Classification Scheme 2023. Collection method: clinical testing. Allele origin: germline. Not counted in ClinVar's aggregate classification.

Genome-Nilou Lab
Classification: Uncertain significance for Glycogen storage disease, type II. Last evaluated: 2021-07-22. Review status: criteria provided, single submitter. Criteria: ACMG Guidelines, 2015. Collection method: clinical testing. Allele origin: germline. Affected: no. Not counted in ClinVar's aggregate classification.

Broad Center for Mendelian Genomics, Broad Institute of MIT and Harvard
Classification: Likely benign for Glycogen storage disease, type II. Last evaluated: 2020-01-22. Review status: criteria provided, single submitter. Criteria: ACMG Guidelines, 2015. Collection method: curation. Allele origin: germline. Inheritance: Autosomal recessive inheritance. Not counted in ClinVar's aggregate classification.
Comment: Although this variant has been seen in the general population, its frequency is low enough to be consistent with a recessive carrier frequency. This variant has been reported as a VUS by EGL Genetic Diagnostics and a likely benign variant by Invitae in ClinVar (Variation ID: 280956). Computational splicing prediction tools and conservation analyses suggest that this variant may not impact the protein, though this information is not predictive enough to rule out pathogenicity. However, novel synonymous variants supported by computational evidence without raised suspicion for an impact are likely benign (Richards 2015). In summary, although additional studies are required to fully establish its clinical significance, this variant is likely benign. ACMG/AMP Criteria applied: PM2, BP7, BP4 (Richards 2015).

Illumina Laboratory Services, Illumina
Classification: Uncertain significance for Glycogen storage disease, type II. Last evaluated: 2017-04-28. Review status: criteria provided, single submitter. Criteria: ICSL Variant Classification Criteria 13 December 2019. Collection method: clinical testing. Allele origin: germline. Not counted in ClinVar's aggregate classification.
Comment: This variant was observed as part of a predisposition screen in an ostensibly healthy population. A literature search was performed for the gene, cDNA change, and amino acid change (where applicable). Publications were found based on this search. However, the evidence from the literature, in combination with allele frequency data from public databases where available, was not sufficient to rule this variant in or out of causing disease. Therefore, this variant is classified as a variant of unknown significance.

Eurofins Ntd Llc (ga)
Classification: Uncertain significance. Last evaluated: 2015-09-29. Review status: criteria provided, single submitter. Criteria: EGL Classification Definitions 2015. Collection method: clinical testing. Allele origin: germline. Observed: 2 variant alleles, 2 heterozygotes. Not counted in ClinVar's aggregate classification.

Literature cited by the submitters: PubMed 37087815 (cited by Genomenon, Inc and Women's Health and Genetics/Laboratory Corporation of America, LabCorp); PubMed 34852371 (cited by Genomenon, Inc and Women's Health and Genetics/Laboratory Corporation of America, LabCorp); PubMed 34405923 (cited by Genomenon, Inc and Women's Health and Genetics/Laboratory Corporation of America, LabCorp); PubMed 30922962 (cited by Genomenon, Inc and Women's Health and Genetics/Laboratory Corporation of America, LabCorp); PubMed 14695532 (cited by Women's Health and Genetics/Laboratory Corporation of America, LabCorp and Illumina Laboratory Services, Illumina); PubMed 30564623 (cited by Women's Health and Genetics/Laboratory Corporation of America, LabCorp).